The following is an entry in ClinVar:

NM_000069.3(CACNA1S):c.2064-14del

Gene: CACNA1S (calcium voltage-gated channel subunit alpha1 S; minus strand). Cytogenetic location: 1q32.1.
Variant type: Deletion.
Coding change: c.2064-14del on transcript NM_000069.3 (MANE Select); 14 bases into the intron before coding-DNA position 2064, one base deleted (G; older notation c.2064-14delG).
Molecular consequence: intron variant.
Genome position (GRCh38, 1-based): chr1:201,073,656, C deleted on the plus strand (G on the coding strand, the reverse complement: CACNA1S is on the minus strand); the first of 3 consecutive C bases (chr1:201,073,656-201,073,658); deleting any one gives the same sequence. VCF-style (leftmost placement, unchanged base first): chr1-201073655-AC-A. GRCh37 (hg19) VCF-style: chr1-201042783-AC-A.
Identifiers: ClinVar variation 3072998 (VCV003072998.1), dbSNP rs2464550937, ClinGen allele CA2825000885.

ClinVar aggregate classification (germline): Uncertain significance (1 of 4 stars; one submission).

Conditions:
Malignant hyperthermia, susceptibility to, 5 (MHS5). Also called: CACNA1S-Related Malignant Hyperthermia Susceptibility. Identifiers: Orphanet 423, MedGen C1866077, MONDO:0011163, OMIM 601887.

Submission:

All of Us Research Program, National Institutes of Health
Classification: Uncertain significance for Malignant hyperthermia, susceptibility to, 5. Last evaluated: 2023-08-15. Review status: criteria provided, single submitter. Criteria: ACMG Guidelines, 2015. Collection method: clinical testing. Allele origin: germline. Inheritance: Autosomal dominant inheritance. Observed: 1 variant allele, 1 heterozygote.
Comment: This variant causes the deletion of one nucleotide in intron 14 of the CACNA1S gene. To our knowledge, functional studies have not been reported for this variant. This variant has not been reported in individuals affected with CACNA1S-related disorders in the literature. This variant has not been identified in the general population by the Genome Aggregation Database (gnomAD). The available evidence is insufficient to determine the role of this variant in disease conclusively. Therefore, this variant is classified as a Variant of Uncertain Significance.

This study involves interpretation of variants in research participants for the purpose of population health screening. Participant phenotype was not available at the time of variant classification. Additional details can be found in publication PMID: 35346344, PMCID: PMC8962531